The following is an entry in ClinVar:

NM_005359.6(SMAD4):c.190A>G (p.Asn64Asp)

Gene: SMAD4 (SMAD family member 4; plus strand). Cytogenetic location: 18q21.2.
Variant type: single nucleotide variant.
Coding change: c.190A>G on transcript NM_005359.6 (MANE Select); coding-DNA position 190, A replaced by G.
Protein change: p.Asn64Asp; replaces asparagine 64 with aspartic acid.
Molecular consequence: missense variant.
Genome position (GRCh38, 1-based): chr18:51,047,236, A>G. VCF-style: chr18-51047236-A-G. GRCh37 (hg19) VCF-style: chr18-48573606-A-G.
Other names: short protein forms N64D.
Identifiers: ClinVar variation 1379406 (VCV001379406.6), dbSNP rs2144401550, ClinGen allele CA402457978.

ClinVar aggregate classification (germline): Uncertain significance (1 of 4 stars; one submission).

Conditions:
Juvenile polyposis syndrome (JPS). Identifiers: Orphanet 2929, MedGen C0345893, MONDO:0017380, OMIM 174900.

Submission:

Labcorp Genetics (formerly Invitae), Labcorp
Classification: Uncertain significance for Juvenile polyposis syndrome. Last evaluated: 2021-11-11. Review status: criteria provided, single submitter. Criteria: Invitae Variant Classification Sherloc (09022015). Collection method: clinical testing. Allele origin: germline.
Comment: In summary, the available evidence is currently insufficient to determine the role of this variant in disease. Therefore, it has been classified as a Variant of Uncertain Significance. Algorithms developed to predict the effect of sequence changes on RNA splicing suggest that this variant may create or strengthen a splice site. Algorithms developed to predict the effect of missense changes on protein structure and function are either unavailable or do not agree on the potential impact of this missense change (SIFT: "Tolerated"; PolyPhen-2: "Possibly Damaging"; Align-GVGD: "Class C0"). This variant has not been reported in the literature in individuals affected with SMAD4-related conditions. This variant is not present in population databases (gnomAD no frequency). This sequence change replaces asparagine, which is neutral and polar, with aspartic acid, which is acidic and polar, at codon 64 of the SMAD4 protein (p.Asn64Asp).